The following is an entry in ClinVar:

ClinVar aggregate classification (germline): Uncertain significance (1 of 4 stars; one submission).

gnomAD v4.1: 1 of 1,613,534 alleles (0.000062%); highest among the groups gnomAD compares: Admixed American, 0.0017%; no homozygotes.

Submission:

GeneDx
Classification: Uncertain significance. Last evaluated: 2026-03-31. Review status: criteria provided, single submitter. Criteria: GeneDx Variant Classification Process June 2021. Collection method: clinical testing. Allele origin: germline.
Comment: Not observed at significant frequency in large population cohorts (gnomAD); In silico analysis supports that this missense variant has a deleterious effect on protein structure/function; Has not been previously published as pathogenic or benign to our knowledge

NM_002941.4(ROBO1):c.1711G>T (p.Asp571Tyr)

Gene: ROBO1 (roundabout guidance receptor 1; minus strand). Cytogenetic location: 3p12.3.
Variant type: single nucleotide variant.
Coding change: c.1711G>T on transcript NM_002941.4 (MANE Select); coding-DNA position 1711, G replaced by T.
Protein change: p.Asp571Tyr; replaces aspartic acid 571 with tyrosine.
Molecular consequence: missense variant.
Genome position (GRCh38, 1-based): chr3:78,668,222, C>A on the plus strand (G>T on the coding strand, the complement: ROBO1 is on the minus strand). VCF-style: chr3-78668222-C-A. GRCh37 (hg19) VCF-style: chr3-78717372-C-A.
Other names: c.1603G>T, p.Asp535Tyr (NM_001145845.2, NM_133631.4); short protein forms D535Y, D571Y.
Identifiers: ClinVar variation 5018061 (VCV005018061.1).
Genomic context (GRCh38, chr3:78,668,222, plus strand): 5'-GAGTTGCTCCTGAATTCAAATTTGGTTGCCACGATAATGTGACTGTATTTCTGCTGACAT[C>A]TGTCACTTCAGGTTTTGATGGGGCACTAGGGATTAAATTTGGGTCAGTAGGTCTTGGAGG-3'
Protein context (NP_002932.1, residues 561-581): PSAPSKPEVT[Asp571Tyr]VSRNTVTLSW